The following is an entry in ClinVar:

ClinVar aggregate classification (germline): Uncertain significance. Review status: criteria provided, multiple submitters, no conflicts (2 of 4 stars). 10 submissions from 8 submitters: Uncertain significance (9). 1 of the submissions does not count toward it. Last evaluated 2024-11-27.

Conditions:
Inborn genetic diseases. Identifiers: MedGen C0950123, MeSH D030342.
Cone-rod dystrophy 13 (CORD13). Identifiers: Orphanet 1872, MedGen C2750720, MONDO:0011987, OMIM 608194.
Leber congenital amaurosis 6 (LCA6). Identifiers: Orphanet 65, MedGen C1854260, MONDO:0013446, OMIM 613826.
Retinal dystrophy. Also called: Inherited retinal dystrophy. Identifiers: Orphanet 71862, MedGen C0854723, MeSH D058499, MONDO:0019118, HP:0000556.

Allele frequency attached by ClinVar (database versions not stated): gnomAD 0.00001 and 0.00002; TOPMed 0.00001; gnomAD exomes 0.00002 and 0.00003; ExAC 0.00003.
gnomAD v4.1: 41 of 1,613,170 alleles (0.0025%); highest among the groups gnomAD compares: Middle Eastern, 0.13%; 1 homozygote.

Submissions (10):

Blueprint Genetics
Classification: Uncertain significance. Last evaluated: 2024-11-27. Review status: criteria provided, single submitter. Criteria: ACMG Guidelines, 2015. Collection method: clinical testing. Allele origin: germline.

Ambry Genetics
Classification: Uncertain significance for Inborn genetic diseases. Last evaluated: 2024-11-19. Review status: criteria provided, single submitter. Criteria: Ambry Variant Classification Scheme 2023. Collection method: clinical testing. Allele origin: germline.

Labcorp Genetics (formerly Invitae), Labcorp
Classification: Uncertain significance for Leber congenital amaurosis 6; Cone-rod dystrophy 13. Last evaluated: 2022-06-29. Review status: criteria provided, single submitter. Criteria: Invitae Variant Classification Sherloc (09022015). Collection method: clinical testing. Allele origin: germline.
Comment: This sequence change replaces leucine, which is neutral and non-polar, with phenylalanine, which is neutral and non-polar, at codon 353 of the RPGRIP1 protein (p.Leu353Phe). This variant is present in population databases (rs756365691, gnomAD 0.004%). This variant has not been reported in the literature in individuals affected with RPGRIP1-related conditions. ClinVar contains an entry for this variant (Variation ID: 312785). Algorithms developed to predict the effect of missense changes on protein structure and function are either unavailable or do not agree on the potential impact of this missense change (SIFT: "Tolerated"; PolyPhen-2: "Probably Damaging"; Align-GVGD: "Class C0"). In summary, the available evidence is currently insufficient to determine the role of this variant in disease. Therefore, it has been classified as a Variant of Uncertain Significance.

Genome-Nilou Lab
Classification: Uncertain significance for Leber congenital amaurosis 6. Last evaluated: 2021-11-07. Review status: criteria provided, single submitter. Criteria: ACMG Guidelines, 2015. Collection method: clinical testing. Allele origin: germline. Affected: no.

Genome-Nilou Lab
Classification: Uncertain significance for Cone-rod dystrophy 13. Last evaluated: 2021-11-07. Review status: criteria provided, single submitter. Criteria: ACMG Guidelines, 2015. Collection method: clinical testing. Allele origin: germline. Affected: no.

Revvity Omics, Revvity
Classification: Uncertain significance. Last evaluated: 2021-07-09. Review status: criteria provided, single submitter. Criteria: ACMG Guidelines, 2015. Collection method: clinical testing. Allele origin: germline.

Illumina Laboratory Services, Illumina
Classification: Uncertain significance for Leber congenital amaurosis 6. Last evaluated: 2018-01-12. Review status: criteria provided, single submitter. Criteria: ICSL Variant Classification Criteria 13 December 2019. Collection method: clinical testing. Allele origin: germline.

Illumina Laboratory Services, Illumina
Classification: Uncertain significance for Cone-rod dystrophy 13. Last evaluated: 2018-01-12. Review status: criteria provided, single submitter. Criteria: ICSL Variant Classification Criteria 13 December 2019. Collection method: clinical testing. Allele origin: germline.

Breakthrough Genomics
Classification: Uncertain significance. Review status: criteria provided, single submitter. Criteria: ACMG Guidelines, 2015. Collection method: not provided. Allele origin: germline. Inheritance: Autosomal recessive inheritance. Affected: yes.

Institute of Human Genetics, Univ. Regensburg, Univ. Regensburg
Classification: Uncertain significance for Retinal dystrophy. Last evaluated: 2022-01-01. Review status: no assertion criteria provided. Criteria: ACMG Guidelines, 2015. Collection method: clinical testing. Allele origin: germline. Affected: yes. Not counted in ClinVar's aggregate classification.

NM_020366.4(RPGRIP1):c.1059G>C (p.Leu353Phe)

Gene: RPGRIP1 (RPGR interacting protein 1; plus strand). Cytogenetic location: 14q11.2.
Variant type: single nucleotide variant.
Coding change: c.1059G>C on transcript NM_020366.4 (MANE Select); coding-DNA position 1059, G replaced by C.
Protein change: p.Leu353Phe; replaces leucine 353 with phenylalanine.
Molecular consequence: missense variant.
Genome position (GRCh38, 1-based): chr14:21,311,952, G>C. VCF-style: chr14-21311952-G-C. GRCh37 (hg19) VCF-style: chr14-21780111-G-C.
Other names: short protein forms L353F.
Identifiers: ClinVar variation 312785 (VCV000312785.20), dbSNP rs756365691, ClinGen allele CA7088853.